The following is an entry in ClinVar:

NM_001267550.2(TTN):c.91440G>C (p.Gln30480His)

Genes: TTN (titin; minus strand), TTN-AS1 (TTN antisense RNA 1; plus strand). Cytogenetic location: 2q31.2.
Variant type: single nucleotide variant.
Coding change: c.91440G>C on transcript NM_001267550.2 (MANE Select); coding-DNA position 91440, G replaced by C.
Protein change: p.Gln30480His; replaces glutamine 30480 with histidine.
Molecular consequence: missense variant.
Genome position (GRCh38, 1-based): chr2:178,551,091, C>G on the plus strand (G>C on the coding strand, the complement: TTN is on the minus strand). VCF-style: chr2-178551091-C-G. GRCh37 (hg19) VCF-style: chr2-179415818-C-G.
Other names: p.Q28839H:CAG>CAC; c.86517G>C, p.Gln28839His (NM_001256850.1); c.64245G>C, p.Gln21415His (NM_003319.4); c.83736G>C, p.Gln27912His (NM_133378.4); c.64620G>C, p.Gln21540His (NM_133432.3); c.64821G>C, p.Gln21607His (NM_133437.4); short protein forms Q28839H, Q30480H, Q27912H, Q21415H, Q21540H, Q21607H.
Identifiers: ClinVar variation 202984 (VCV000202984.2), dbSNP rs794729532, ClinGen allele CA310890.

ClinVar aggregate classification (germline): Uncertain significance (1 of 4 stars; one submission).

Allele frequency attached by ClinVar (database versions not stated): gnomAD exomes below 0.00001; TOPMed 0.00002; gnomAD 0.00001.
gnomAD v4.1: 4 of 1,613,248 alleles (0.00025%); highest among the groups gnomAD compares: Admixed American, 0.0033%; no homozygotes.

Submission:

GeneDx
Classification: Uncertain significance. Last evaluated: 2014-10-31. Review status: criteria provided, single submitter. Criteria: GeneDx Variant Classification (06012015). Collection method: clinical testing. Allele origin: germline. Affected: yes.
Comment: Missense variants in the TTN gene are considered 'unclassified' if they are not previously reported in the literature and do not have >1% frequency in the population to be considered a polymorphism. Research indicates that truncating mutations in the TTN gene are expected to account for approximately 25% of familial and 18% of sporadic idiopathic DCM; however, truncating variants in the TTN gene have been reported in approximately 3% of reported control alleles. There has been little investigation into non-truncating variants. (Herman D et al. Truncations of titin causing dilated cardiomyopathy. N Eng J Med 366:619-628, 2012) The variant is found in CARDIOMYOPATHY panel(s).